The following is an entry in ClinVar:

NM_152703.5(SAMD9L):c.1317del (p.Lys439fs)

Gene: SAMD9L (sterile alpha motif domain containing 9 like; minus strand). Cytogenetic location: 7q21.2.
Variant type: Deletion.
Coding change: c.1317del on transcript NM_152703.5 (MANE Select); coding-DNA position 1317, one base deleted (A; older notation c.1317delA).
Protein change: p.Lys439fs; shifts the reading frame from lysine 439.
Molecular consequence: frameshift variant.
Genome position (GRCh38, 1-based): chr7:93,134,655, T deleted on the plus strand (A on the coding strand, the reverse complement: SAMD9L is on the minus strand); the first of 3 consecutive T bases (chr7:93,134,655-93,134,657); deleting any one gives the same sequence. VCF-style (leftmost placement, unchanged base first): chr7-93134654-AT-A. GRCh37 (hg19) VCF-style: chr7-92763967-AT-A.
Other names: c.1317del, p.Lys439fs (NM_001303496.3, NM_001303497.3, NM_001303498.3 and 5 more transcripts); short protein forms K439fs.
Identifiers: ClinVar variation 2505795 (VCV002505795.4), dbSNP rs921758938, ClinGen allele CA161962467.
Genomic context (GRCh38, chr7:93,134,654, plus strand): 5'-TGTAAGCTTTGACCACTCCATTGATCATAGATTCAGGATCAAACTCCAACACAGCAAACC[AT>A]TTAATTTCTTTTAAAAAATCTAAGTGCTTTATTTGGTTTGGATGGCATTTATTTGTTACA-3'

ClinVar aggregate classification (germline): Uncertain significance. Review status: criteria provided, multiple submitters, no conflicts (2 of 4 stars). 2 submissions from 2 submitters: Uncertain significance (2). Last evaluated 2023-08-19.

Submissions (2):

Labcorp Genetics (formerly Invitae), Labcorp
Classification: Uncertain significance. Last evaluated: 2023-08-19. Review status: criteria provided, single submitter. Criteria: Invitae Variant Classification Sherloc (09022015). Collection method: clinical testing. Allele origin: germline.
Comment: This variant is present in population databases (no rsID available, gnomAD 0.007%). This sequence change creates a premature translational stop signal (p.Lys439Asnfs*13) in the SAMD9L gene. While this is not anticipated to result in nonsense mediated decay, it is expected to disrupt the last 1146 amino acid(s) of the SAMD9L protein. This variant has not been reported in the literature in individuals affected with SAMD9L-related conditions. In summary, the available evidence is currently insufficient to determine the role of this variant in disease. Therefore, it has been classified as a Variant of Uncertain Significance. Experimental studies and prediction algorithms are not available or were not evaluated, and the functional significance of this variant is currently unknown. ClinVar contains an entry for this variant (Variation ID: 2505795).

GeneDx
Classification: Uncertain significance. Last evaluated: 2022-12-15. Review status: criteria provided, single submitter. Criteria: GeneDx Variant Classification Process June 2021. Collection method: clinical testing. Allele origin: germline. Affected: yes.
Comment: Frameshift variant predicted to result in protein truncation in a gene or region of a gene for which loss of function is not a well-established mechanism of disease; Not observed at significant frequency in large population cohorts (gnomAD); Has not been previously published as pathogenic or benign to our knowledge; This variant is associated with the following publications: (PMID: 28545555)